The following is an entry in ClinVar:

ClinVar aggregate classification (germline): Uncertain significance. Review status: criteria provided, multiple submitters, no conflicts (2 of 4 stars). 3 submissions from 3 submitters: Uncertain significance (3). Last evaluated 2026-02-14.

Conditions:
Cardiovascular phenotype. Identifiers: MedGen CN230736.
VCL-related disorder. Also called: VCL-related condition.
Dilated cardiomyopathy 1W (CMD1W). Identifiers: Orphanet 154, MedGen C1969639, MONDO:0012667, OMIM 611407.

Allele frequency attached by ClinVar (database versions not stated): gnomAD exomes below 0.00001; gnomAD 0.00001; TOPMed 0.00002.
gnomAD v4.1: 2 of 1,613,980 alleles (0.00012%); highest among the groups gnomAD compares: East Asian, 0.0022%; no homozygotes.

Submissions (3):

PreventionGenetics, part of Exact Sciences
Classification: Uncertain significance for VCL-related condition. Last evaluated: 2026-02-14. Review status: criteria provided, single submitter. Criteria: ACMG Guidelines, 2015. Collection method: clinical testing. Allele origin: germline.
Comment: The VCL c.1349G>C variant is predicted to result in the amino acid substitution p.Arg450Thr. To our knowledge, this variant has not been reported in the literature or in a large population database (gnomAD), indicating this variant is rare. At this time, the clinical significance of this variant is uncertain due to the absence of conclusive functional and genetic evidence.

Labcorp Genetics (formerly Invitae), Labcorp
Classification: Uncertain significance for Dilated cardiomyopathy 1W. Last evaluated: 2025-08-17. Review status: criteria provided, single submitter. Criteria: Invitae Variant Classification Sherloc (09022015). Collection method: clinical testing. Allele origin: germline.
Comment: This sequence change replaces arginine, which is basic and polar, with threonine, which is neutral and polar, at codon 450 of the VCL protein (p.Arg450Thr). This variant is not present in population databases (gnomAD no frequency). This variant has not been reported in the literature in individuals affected with VCL-related conditions. ClinVar contains an entry for this variant (Variation ID: 1770551). An algorithm developed to predict the effect of missense changes on protein structure and function (PolyPhen-2) suggests that this variant is likely to be tolerated. In summary, the available evidence is currently insufficient to determine the role of this variant in disease. Therefore, it has been classified as a Variant of Uncertain Significance.

Ambry Genetics
Classification: Uncertain significance for Cardiovascular phenotype. Last evaluated: 2024-10-27. Review status: criteria provided, single submitter. Criteria: Ambry Variant Classification Scheme 2023. Collection method: clinical testing. Allele origin: germline.
Comment: The p.R450T variant (also known as c.1349G>C), located in coding exon 10 of the VCL gene, results from a G to C substitution at nucleotide position 1349. The arginine at codon 450 is replaced by threonine, an amino acid with similar properties. This amino acid position is highly conserved in available vertebrate species. In addition, the in silico prediction for this alteration is inconclusive. Since supporting evidence is limited at this time, the clinical significance of this alteration remains unclear.

NM_014000.3(VCL):c.1349G>C (p.Arg450Thr)

Gene: VCL (vinculin; plus strand). Cytogenetic location: 10q22.2.
Variant type: single nucleotide variant.
Coding change: c.1349G>C on transcript NM_014000.3 (MANE Select); coding-DNA position 1349, G replaced by C.
Protein change: p.Arg450Thr; replaces arginine 450 with threonine.
Molecular consequence: missense variant.
Genome position (GRCh38, 1-based): chr10:74,090,195, G>C. VCF-style: chr10-74090195-G-C. GRCh37 (hg19) VCF-style: chr10-75849953-G-C.
Other names: c.1349G>C, p.Arg450Thr (NM_003373.4); short protein forms R450T.
Identifiers: ClinVar variation 1770551 (VCV001770551.5), dbSNP rs1428422009, ClinGen allele CA377273420.